The following is an entry in ClinVar:

ClinVar aggregate classification (germline): Uncertain significance. Review status: criteria provided, multiple submitters, no conflicts (2 of 4 stars). 2 submissions from 2 submitters: Uncertain significance (2). Last evaluated 2025-08-24.

Allele frequency attached by ClinVar (database versions not stated): gnomAD 0.00002 and 0.00003; gnomAD exomes 0.00002 and 0.00006; TOPMed 0.00002; ExAC 0.00003.

Submissions (2):

Ambry Genetics
Classification: Uncertain significance. Last evaluated: 2025-08-24. Review status: criteria provided, single submitter. Criteria: Ambry Variant Classification Scheme 2023. Collection method: clinical testing. Allele origin: germline.

Labcorp Genetics (formerly Invitae), Labcorp
Classification: Uncertain significance. Last evaluated: 2023-05-08. Review status: criteria provided, single submitter. Criteria: Invitae Variant Classification Sherloc (09022015). Collection method: clinical testing. Allele origin: germline.
Comment: In summary, the available evidence is currently insufficient to determine the role of this variant in disease. Therefore, it has been classified as a Variant of Uncertain Significance. Algorithms developed to predict the effect of missense changes on protein structure and function output the following: SIFT: "Not Available"; PolyPhen-2: "Benign"; Align-GVGD: "Not Available". The glutamine amino acid residue is found in multiple mammalian species, which suggests that this missense change does not adversely affect protein function. This sequence change replaces arginine, which is basic and polar, with glutamine, which is neutral and polar, at codon 13 of the GLYCTK protein (p.Arg13Gln). ClinVar contains an entry for this variant (Variation ID: 1406594). This variant has not been reported in the literature in individuals affected with GLYCTK-related conditions. This variant is present in population databases (rs781073570, gnomAD 0.04%).

NM_145262.4(GLYCTK):c.38G>A (p.Arg13Gln)

Gene: GLYCTK (glycerate kinase; plus strand). Cytogenetic location: 3p21.2.
Variant type: single nucleotide variant.
Coding change: c.38G>A on transcript NM_145262.4 (MANE Select); coding-DNA position 38, G replaced by A.
Protein change: p.Arg13Gln; replaces arginine 13 with glutamine.
Molecular consequence: missense variant. On other transcripts: non-coding transcript variant (3).
Genome position (GRCh38, 1-based): chr3:52,290,380, G>A. VCF-style: chr3-52290380-G-A. GRCh37 (hg19) VCF-style: chr3-52324396-G-A.
Other names: c.38G>A, p.Arg13Gln (NM_001144951.2); c.38G>A (NM_145262.3); short protein forms R13Q.
Identifiers: ClinVar variation 1406594 (VCV001406594.12), dbSNP rs781073570, ClinGen allele CA2431979.